The following is an entry in ClinVar:

ClinVar aggregate classification (germline): Uncertain significance. Review status: criteria provided, multiple submitters, no conflicts (2 of 4 stars). 2 submissions from 2 submitters: Uncertain significance (2). Last evaluated 2025-01-27.

Conditions:
Hereditary cancer-predisposing syndrome. Also called: Hereditary Cancer Syndrome; Neoplastic Syndromes, Hereditary; Tumor predisposition; Hereditary neoplastic syndrome. Identifiers: Orphanet 140162, MedGen C0027672, MeSH D009386, MONDO:0015356.
Multiple endocrine neoplasia, type 2 (MEN2). Identifiers: Orphanet 653, MedGen C4048306, MONDO:0019003. Disease mechanism: gain of function.

Allele frequency attached by ClinVar (database versions not stated): gnomAD 0.00001.
gnomAD v4.1: 1 of 1,608,368 alleles (0.000062%); highest among the groups gnomAD compares: African/African-American, 0.0013%; no homozygotes.

Submissions (2):

Ambry Genetics
Classification: Uncertain significance for Hereditary cancer-predisposing syndrome. Last evaluated: 2025-01-27. Review status: criteria provided, single submitter. Criteria: Ambry Variant Classification Scheme 2023. Collection method: clinical testing. Allele origin: germline.
Comment: The p.V637G variant (also known as c.1910T>G), located in coding exon 11 of the RET gene, results from a T to G substitution at nucleotide position 1910. The valine at codon 637 is replaced by glycine, an amino acid with dissimilar properties. This amino acid position is conserved. In addition, this alteration is predicted to be deleterious by in silico analysis. Based on the available evidence, the clinical significance of this variant remains unclear.

Labcorp Genetics (formerly Invitae), Labcorp
Classification: Uncertain significance for Multiple endocrine neoplasia, type 2. Last evaluated: 2022-10-22. Review status: criteria provided, single submitter. Criteria: Invitae Variant Classification Sherloc (09022015). Collection method: clinical testing. Allele origin: germline.
Comment: In summary, the available evidence is currently insufficient to determine the role of this variant in disease. Therefore, it has been classified as a Variant of Uncertain Significance. Algorithms developed to predict the effect of missense changes on protein structure and function are either unavailable or do not agree on the potential impact of this missense change (SIFT: "Deleterious"; PolyPhen-2: "Benign"; Align-GVGD: "Class C0"). ClinVar contains an entry for this variant (Variation ID: 1021928). This variant has not been reported in the literature in individuals affected with RET-related conditions. This variant is not present in population databases (gnomAD no frequency). This sequence change replaces valine, which is neutral and non-polar, with glycine, which is neutral and non-polar, at codon 637 of the RET protein (p.Val637Gly).

NM_020975.6(RET):c.1910T>G (p.Val637Gly)

Gene: RET (ret proto-oncogene; plus strand). Cytogenetic location: 10q11.21.
Variant type: single nucleotide variant.
Coding change: c.1910T>G on transcript NM_020975.6 (MANE Select); coding-DNA position 1910, T replaced by G.
Protein change: p.Val637Gly; replaces valine 637 with glycine.
Molecular consequence: missense variant.
Genome position (GRCh38, 1-based): chr10:43,114,510, T>G. VCF-style: chr10-43114510-T-G. GRCh37 (hg19) VCF-style: chr10-43609958-T-G.
Other names: c.1910T>G, p.Val637Gly (NM_000323.2, NM_001406743.1, NM_001406744.1 and 4 more transcripts); c.1148T>G, p.Val383Gly (NM_001355216.2); c.1781T>G, p.Val594Gly (NM_001406761.1, NM_001406762.1, NM_001406764.1); c.1622T>G, p.Val541Gly (NM_001406766.1, NM_001406767.1, NM_001406770.1); c.1514T>G, p.Val505Gly (NM_001406769.1, NM_001406772.1); c.1472T>G, p.Val491Gly (NM_001406771.1, NM_001406773.1); c.1385T>G, p.Val462Gly (NM_001406774.1); c.1184T>G, p.Val395Gly (NM_001406775.1, NM_001406776.1, NM_001406777.1 and 1 more transcripts); and 7 more; short protein forms V383G, V637G, V202G, V307G, V395G, V154G, V295G, V491G.
Identifiers: ClinVar variation 1021928 (VCV001021928.10), dbSNP rs1713933379, ClinGen allele CA376552924.